The following is an entry in ClinVar:

ClinVar aggregate classification (germline): Conflicting classifications of pathogenicity. Review status: criteria provided, conflicting classifications (1 of 4 stars). 2 submissions from 2 submitters: Uncertain significance (1); Likely benign (1). Last evaluated 2025-10-15.

Conditions:
Tuberous sclerosis 2 (TSC2). Identifiers: Orphanet 805, MedGen C1860707, MONDO:0013199, OMIM 613254.
Tuberous sclerosis syndrome (TSC). Also called: Tuberous sclerosis; Tuberous Sclerosis Complex. Identifiers: Orphanet 805, MedGen C0041341, MONDO:0001734.

Allele frequency attached by ClinVar (database versions not stated): gnomAD exomes below 0.00001.
gnomAD v4.1: 6 of 1,610,658 alleles (0.00037%); highest among the groups gnomAD compares: South Asian, 0.0055%; no homozygotes.

Submissions (2):

Labcorp Genetics (formerly Invitae), Labcorp
Classification: Likely benign for Tuberous sclerosis 2. Last evaluated: 2025-10-15. Review status: criteria provided, single submitter. Criteria: Invitae Variant Classification Sherloc (09022015). Collection method: clinical testing. Allele origin: germline.

All of Us Research Program, National Institutes of Health
Classification: Uncertain significance for Tuberous sclerosis syndrome. Last evaluated: 2023-08-23. Review status: criteria provided, single submitter. Criteria: ACMG Guidelines, 2015. Collection method: clinical testing. Allele origin: germline. Inheritance: Autosomal dominant inheritance. Observed: 1 variant allele, 1 heterozygote.
Comment: This variant causes a T to C nucleotide substitution at the -12 position of intron 21 of the TSC2 gene. Splice site prediction tools are inconclusive regarding the impact of this variant on RNA splicing. To our knowledge, RNA studies have not been reported for this variant. This variant has not been reported in individuals affected with TSC2-related disorders in the literature. This variant has been identified in 1/247686 chromosomes in the general population by the Genome Aggregation Database (gnomAD). The available evidence is insufficient to determine the role of this variant in disease conclusively. Therefore, this variant is classified as a Variant of Uncertain Significance.

This study involves interpretation of variants in research participants for the purpose of population health screening. Participant phenotype was not available at the time of variant classification. Additional details can be found in publication PMID: 35346344, PMCID: PMC8962531

NM_000548.5(TSC2):c.2356-12T>C

Gene: TSC2 (TSC complex subunit 2; plus strand). Cytogenetic location: 16p13.3.
Variant type: single nucleotide variant.
Coding change: c.2356-12T>C on transcript NM_000548.5 (MANE Select); 12 bases into the intron before coding-DNA position 2356, T replaced by C.
Molecular consequence: intron variant.
Genome position (GRCh38, 1-based): chr16:2,074,188, T>C. VCF-style: chr16-2074188-T-C. GRCh37 (hg19) VCF-style: chr16-2124189-T-C.
Other names: c.2356-12T>C (NM_001114382.3, NM_021055.3, NM_001370405.1 and 3 more transcripts); c.2245-12T>C (NM_001318827.2); c.1756-12T>C (NM_001318831.2); c.2209-12T>C (NM_001318829.2); c.2389-12T>C (NM_001318832.2).
Identifiers: ClinVar variation 1570846 (VCV001570846.9), dbSNP rs1388493955, ClinGen allele CA620706056.
Genomic context (GRCh38, chr16:2,074,188, plus strand): 5'-AGGTTGGCGAGGGGTAGGCGAGGCTGCCTCTGCTGCAAGCGGGTGGGGCCTGAGGTGTCC[T>C]GTCTCCTGCAGCGCGAGATGGTCTACTGCCTGGAGCAGGGCCTCATCCACCGCTGTGCCA-3'